The following is an entry in ClinVar:

ClinVar aggregate classification (germline): Uncertain significance. Review status: criteria provided, multiple submitters, no conflicts (2 of 4 stars). 2 submissions from 2 submitters: Uncertain significance (2). Last evaluated 2025-06-25.

Conditions:
Inborn genetic diseases. Identifiers: MedGen C0950123, MeSH D030342.

Allele frequency attached by ClinVar (database versions not stated): ESP Exome Variant Server 0.00008; 1000 Genomes Project 30x 0.00016; 1000 Genomes Project 0.00020.
gnomAD v4.1: 33 of 1,614,076 alleles (0.002%); highest among the groups gnomAD compares: African/African-American, 0.004%; no homozygotes.

Submissions (2):

Ambry Genetics
Classification: Uncertain significance for Inborn genetic diseases. Last evaluated: 2025-06-25. Review status: criteria provided, single submitter. Criteria: Ambry Variant Classification Scheme 2023. Collection method: clinical testing. Allele origin: germline.

Labcorp Genetics (formerly Invitae), Labcorp
Classification: Uncertain significance. Last evaluated: 2024-07-04. Review status: criteria provided, single submitter. Criteria: Invitae Variant Classification Sherloc (09022015). Collection method: clinical testing. Allele origin: germline.
Comment: This sequence change replaces glutamic acid, which is acidic and polar, with lysine, which is basic and polar, at codon 4225 of the HSPG2 protein (p.Glu4225Lys). This variant is present in population databases (rs367606633, gnomAD 0.006%). This variant has not been reported in the literature in individuals affected with HSPG2-related conditions. ClinVar contains an entry for this variant (Variation ID: 1054461). An algorithm developed to predict the effect of missense changes on protein structure and function (PolyPhen-2) suggests that this variant is likely to be tolerated. In summary, the available evidence is currently insufficient to determine the role of this variant in disease. Therefore, it has been classified as a Variant of Uncertain Significance.

NM_005529.7(HSPG2):c.12673G>A (p.Glu4225Lys)

Genes: HSPG2 (heparan sulfate proteoglycan 2; minus strand), LDLRAD2 (low density lipoprotein receptor class A domain containing 2; plus strand). Cytogenetic location: 1p36.12.
Variant type: single nucleotide variant.
Coding change: c.12673G>A on transcript NM_005529.7 (MANE Select); coding-DNA position 12673, G replaced by A.
Protein change: p.Glu4225Lys; replaces glutamic acid 4225 with lysine.
Molecular consequence: missense variant. On other transcripts: 3 prime UTR variant (1).
Genome position (GRCh38, 1-based): chr1:21,824,608, C>T on the plus strand (G>A on the coding strand, the complement: HSPG2 is on the minus strand). VCF-style: chr1-21824608-C-T. GRCh37 (hg19) VCF-style: chr1-22151101-C-T.
Other names: c.12676G>A, p.Glu4226Lys (NM_001291860.2); c.*2393C>T (NM_001013693.3); c.12673G>A (NM_005529.5); short protein forms E4225K, E4226K.
Identifiers: ClinVar variation 1054461 (VCV001054461.9), dbSNP rs367606633, ClinGen allele CA669327.